The following is an entry in ClinVar:

ClinVar aggregate classification (germline): Uncertain significance (1 of 4 stars; one submission).

Conditions:
Mowat-Wilson syndrome (MOWS). Also called: Classic Mowat-Wilson Syndrome. Identifiers: Orphanet 2152, MedGen C1856113, MONDO:0009341, OMIM 235730.

Allele frequency attached by ClinVar (database versions not stated): TOPMed below 0.00001; gnomAD 0.00001.
gnomAD v4.1: 2 of 1,614,000 alleles (0.00012%); highest among the groups gnomAD compares: Non-Finnish European, 0.000085%; no homozygotes.

Submission:

Labcorp Genetics (formerly Invitae), Labcorp
Classification: Uncertain significance for Mowat-Wilson syndrome. Last evaluated: 2022-12-18. Review status: criteria provided, single submitter. Criteria: Invitae Variant Classification Sherloc (09022015). Collection method: clinical testing. Allele origin: germline.
Comment: This sequence change replaces methionine, which is neutral and non-polar, with isoleucine, which is neutral and non-polar, at codon 656 of the ZEB2 protein (p.Met656Ile). This variant is not present in population databases (gnomAD no frequency). This variant has not been reported in the literature in individuals affected with ZEB2-related conditions. Advanced modeling of protein sequence and biophysical properties (such as structural, functional, and spatial information, amino acid conservation, physicochemical variation, residue mobility, and thermodynamic stability) performed at Invitae indicates that this missense variant is expected to disrupt ZEB2 protein function. In summary, the available evidence is currently insufficient to determine the role of this variant in disease. Therefore, it has been classified as a Variant of Uncertain Significance.

NM_014795.4(ZEB2):c.1968G>A (p.Met656Ile)

Gene: ZEB2 (zinc finger E-box binding homeobox 2; minus strand). Cytogenetic location: 2q22.3.
Variant type: single nucleotide variant.
Coding change: c.1968G>A on transcript NM_014795.4 (MANE Select); coding-DNA position 1968, G replaced by A.
Protein change: p.Met656Ile; replaces methionine 656 with isoleucine.
Molecular consequence: missense variant.
Genome position (GRCh38, 1-based): chr2:144,399,219, C>T on the plus strand (G>A on the coding strand, the complement: ZEB2 is on the minus strand). VCF-style: chr2-144399219-C-T. GRCh37 (hg19) VCF-style: chr2-145156786-C-T.
Other names: c.1896G>A, p.Met632Ile (NM_001171653.2); short protein forms M656I, M632I.
Identifiers: ClinVar variation 2819319 (VCV002819319.3), dbSNP rs1703273248, ClinGen allele CA348709489.
Genomic context (GRCh38, chr2:144,399,219, plus strand): 5'-TTTCAGCAGTTCATCGGAGTTGGGCTCCATGTTCATAGCATAGTATGCTTTGAGTACAGA[C>T]ATGTGGTCCTTGTATGGGTTGATGGGGCTTGTCATTCCTTTCTCAGAAAGTACAGATGAC-3'
Protein context (NP_055610.1, residues 646-666): TSPINPYKDH[Met656Ile]SVLKAYYAMN